The following is an entry in ClinVar:

NM_001164508.2(NEB):c.10545_10552del (p.Asp3516fs)

Gene: NEB (nebulin; minus strand). Cytogenetic location: 2q23.3.
Variant type: Deletion.
Coding change: c.10545_10552del on transcript NM_001164508.2 (MANE Select); coding-DNA positions 10545 to 10552, 8 bases deleted (GGATATTG; older notation c.10545_10552delGGATATTG).
Protein change: p.Asp3516fs; shifts the reading frame from aspartic acid 3516.
Molecular consequence: frameshift variant.
Genome position (GRCh38, 1-based): chr2:151,620,927-151,620,934, CAATATCC deleted on the plus strand (GGATATTG on the coding strand, the reverse complement: NEB is on the minus strand); deleting any 8 consecutive bases within chr2:151,620,927-151,620,935 gives the same sequence; the c. name uses the placement nearest the transcript's 3' end. VCF-style (leftmost placement, unchanged base first): chr2-151620926-GCAATATCC-G. GRCh37 (hg19) VCF-style: chr2-152477440-GCAATATCC-G.
Other names: c.10545_10552del, p.Asp3516fs (NM_001164507.2, NM_001271208.2); c.9816_9823del, p.Asp3273fs (NM_004543.5); short protein forms D3273fs, D3516fs.
Identifiers: ClinVar variation 2980590 (VCV002980590.4), dbSNP rs2552233697, ClinGen allele CA2661466444.

ClinVar aggregate classification (germline): Pathogenic/Likely pathogenic. Review status: criteria provided, multiple submitters, no conflicts (2 of 4 stars). 2 submissions from 2 submitters: Pathogenic (1); Likely pathogenic (1). Last evaluated 2024-01-31.

Conditions:
Nemaline myopathy 2 (NEM2). Also called: Nemaline myopathy 2, autosomal recessive. Identifiers: MedGen C1850569, MONDO:0009725, OMIM 256030.
Arthrogryposis multiplex congenita 6. Identifiers: MedGen C5543431, MONDO:0030281, OMIM 619334.

Submissions (2):

Labcorp Genetics (formerly Invitae), Labcorp
Classification: Pathogenic for Nemaline myopathy 2. Last evaluated: 2024-01-31. Review status: criteria provided, single submitter. Criteria: Invitae Variant Classification Sherloc (09022015). Collection method: clinical testing. Allele origin: germline.
Comment: This sequence change creates a premature translational stop signal (p.Asp3516Glnfs*2) in the NEB gene. It is expected to result in an absent or disrupted protein product. Loss-of-function variants in NEB are known to be pathogenic (PMID: 25205138). This variant is not present in population databases (gnomAD no frequency). This variant has not been reported in the literature in individuals affected with NEB-related conditions. For these reasons, this variant has been classified as Pathogenic.

Fulgent Genetics
Classification: Likely pathogenic for Nemaline myopathy 2; Arthrogryposis multiplex congenita 6. Last evaluated: 2024-01-30. Review status: criteria provided, single submitter. Criteria: ACMG Guidelines, 2015. Collection method: clinical testing. Allele origin: germline.

Literature cited by the submitters: PubMed 25205138 (cited by Labcorp Genetics (formerly Invitae), Labcorp).